The following is an entry in ClinVar:

ClinVar aggregate classification (germline): Uncertain significance (1 of 4 stars; one submission).

Conditions:
BAP1-related tumor predisposition syndrome (TPDS1). Also called: COMMON Syndrome; TUMOR PREDISPOSITION SYNDROME 1; BAP1 tumor predisposition syndrome; Tumor susceptibility linked to germline BAP1 mutations. Identifiers: Orphanet 289539, MedGen C3280492, MONDO:0013692, OMIM 614327.

Submission:

Labcorp Genetics (formerly Invitae), Labcorp
Classification: Uncertain significance for BAP1-related tumor predisposition syndrome. Last evaluated: 2023-09-03. Review status: criteria provided, single submitter. Criteria: Invitae Variant Classification Sherloc (09022015). Collection method: clinical testing. Allele origin: germline.
Comment: This sequence change replaces valine, which is neutral and non-polar, with phenylalanine, which is neutral and non-polar, at codon 386 of the BAP1 protein (p.Val386Phe). This variant is not present in population databases (gnomAD no frequency). This variant has not been reported in the literature in individuals affected with BAP1-related conditions. Advanced modeling of protein sequence and biophysical properties (such as structural, functional, and spatial information, amino acid conservation, physicochemical variation, residue mobility, and thermodynamic stability) performed at Invitae indicates that this missense variant is not expected to disrupt BAP1 protein function. In summary, the available evidence is currently insufficient to determine the role of this variant in disease. Therefore, it has been classified as a Variant of Uncertain Significance.

NM_004656.4(BAP1):c.1156G>T (p.Val386Phe)

Gene: BAP1 (BRCA1 associated deubiquitinase 1; minus strand). Cytogenetic location: 3p21.1.
Variant type: single nucleotide variant.
Coding change: c.1156G>T on transcript NM_004656.4 (MANE Select); coding-DNA position 1156, G replaced by T.
Protein change: p.Val386Phe; replaces valine 386 with phenylalanine.
Molecular consequence: missense variant.
Genome position (GRCh38, 1-based): chr3:52,404,547, C>A on the plus strand (G>T on the coding strand, the complement: BAP1 is on the minus strand). VCF-style: chr3-52404547-C-A. GRCh37 (hg19) VCF-style: chr3-52438563-C-A.
Other names: c.1102G>T, p.Val368Phe (NM_001410772.1); short protein forms V368F, V386F.
Identifiers: ClinVar variation 2757679 (VCV002757679.3), dbSNP rs372213315, ClinGen allele CA353103315.